The following is an entry in ClinVar:

ClinVar aggregate classification (germline): Pathogenic. Review status: reviewed by expert panel (3 of 4 stars). 19 submissions from 19 submitters: Pathogenic (1). 18 of the submissions do not count toward it. Last evaluated 2025-07-23.

Conditions:
ANO5-related disorder. Also called: ANO5-related condition; ANO5-related disorders. Identifiers: MedGen CN239193.
Autosomal recessive limb-girdle muscular dystrophy type 2L (LGMDR12). Also called: Limb-girdle muscular dystrophy, type 2L; Limb-Girdle Muscular Dystrophy R12 Anoctamin-5-Related (LGMD-R12); MUSCULAR DYSTROPHY, LIMB-GIRDLE, AUTOSOMAL RECESSIVE 12. Identifiers: Orphanet 206549, MedGen C1969785, MONDO:0012652, OMIM 611307.
Gnathodiaphyseal dysplasia (GDD). Also called: GNATHODIAPHYSEAL SCLEROSIS; OSTEOGENESIS IMPERFECTA WITH UNUSUAL SKELETAL LESIONS. Identifiers: Orphanet 53697, MedGen C1833736, MONDO:0008151, OMIM 166260.
Autosomal recessive limb-girdle muscular dystrophy. Identifiers: Orphanet 102015, MedGen C2931907, MONDO:0015152.
Miyoshi muscular dystrophy 3 (MMD3). Also called: Miyoshi Muscular Dystrophy 3 (MMD3); Miyoshi myopathy 3. Identifiers: Orphanet 399096, MedGen C2750076, MONDO:0013222, OMIM 613319.

Allele frequency attached by ClinVar (database versions not stated): gnomAD 0.00007 and 0.00009; ExAC 0.00009; TOPMed 0.00012; gnomAD exomes 0.00013 and 0.00016; ESP Exome Variant Server 0.00015.
gnomAD v4.1: 234 of 1,600,488 alleles (0.015%); highest among the groups gnomAD compares: Non-Finnish European, 0.018%; no homozygotes.

Submissions 1 to 11 of 19:

ClinGen Limb Girdle Muscular Dystrophy Variant Curation Expert Panel, ClinGen
Classification: Pathogenic for Autosomal recessive limb-girdle muscular dystrophy. Last evaluated: 2025-07-23. Review status: reviewed by expert panel. Criteria: ClinGen LGMD VCEP ACMG Specifications ANO5 V1.0.0. Collection method: curation. Allele origin: germline. Inheritance: Autosomal recessive inheritance.
Comment: The NM_213599.3: c.1898+1G>A variant in ANO5 impacts the splice donor site of exon 17, which is out of frame. SpliceAI gives a score of 0.85 for donor loss. RNA analysis has demonstrated that this variant results in skipping of exons 15-17, disrupting the reading frame and introducing a premature truncation codon with nonsense mediated decay expected (PMID: 23041008; PVS1_RNA). Among a selection of the available literature, this variant has been reported in at least 23 unrelated individuals with features consistent with LGMD (PMID: 23041008, 30919934), including in a homozygous state in 8 patients without reported familial consanguinity (1.0 pt; PMID: 30919934). The other fourteen patients were reported as compound heterozygous, with 8 unrelated cases having the pathogenic variant c.191dup p.(Asn64LysfsTer15) confirmed in trans (1.0 pt x8 = 8.0 pts, PMID: 30919934) (PM3_Very Strong). This variant has been shown to co-segregate with autosomal recessive LGMD in at least eight family members from three families (PMID: 30919934; PP1_Strong), and at least one patient with this variant displayed a progressive limb girdle pattern of muscle weakness (PMID: 30919934; PP4). The highest population minor allele frequency for this variant is 0.0002238 in the Admixed American population of gnomAD v4.1.10 (10/44690 exome chromosomes), which is higher than the VCEP threshold for PM2_Supporting (0.0001) (PM2_Supporting not met). In summary, this variant meets the criteria to be classified as Pathogenic for autosomal recessive limb-girdle muscular dystrophy based on the ACMG/AMP criteria applied, as specified by the ClinGen LGMD VCEP (LGMD VCEP specifications version 1.0.0; 07/23/2025): PVS1_RNA, PM3_Very Strong, PP1_Strong, PP4.

Labcorp Genetics (formerly Invitae), Labcorp
Classification: Pathogenic for Autosomal recessive limb-girdle muscular dystrophy type 2L; Gnathodiaphyseal dysplasia. Last evaluated: 2026-01-27. Review status: criteria provided, single submitter. Criteria: Invitae Variant Classification Sherloc (09022015). Collection method: clinical testing. Allele origin: germline. Not counted in ClinVar's aggregate classification.
Comment: This sequence change affects a donor splice site in intron 17 of the ANO5 gene. It is expected to disrupt RNA splicing. Variants that disrupt the donor or acceptor splice site typically lead to a loss of protein function (PMID: 16199547), and loss-of-function variants in ANO5 are known to be pathogenic (PMID: 21186264, 23606453, 25891276, 30919934). This variant is present in population databases (rs142027093, gnomAD 0.02%). Disruption of this splice site has been observed in individuals with autosomal recessive ANO5-related conditions (PMID: 23041008, 23530687, 23606453, 23607914, 23663589, 23670307). ClinVar contains an entry for this variant (Variation ID: 194805). Algorithms developed to predict the effect of sequence changes on RNA splicing suggest that this variant may disrupt the consensus splice site. For these reasons, this variant has been classified as Pathogenic.

CeGaT Center for Human Genetics Tuebingen
Classification: Pathogenic. Last evaluated: 2026-01-01. Review status: criteria provided, single submitter. Criteria: CeGaT Center For Human Genetics Tuebingen Variant Classification Criteria Version 2. Collection method: clinical testing. Allele origin: germline. Affected: yes. Observed: 5 variant alleles. Not counted in ClinVar's aggregate classification.
Comment: ANO5: PM3:Very Strong, PVS1, PM2

Athena Diagnostics
Classification: Pathogenic. Last evaluated: 2025-08-22. Review status: criteria provided, single submitter. Criteria: Athena Diagnostics Criteria. Collection method: clinical testing. Allele origin: unknown. Not counted in ClinVar's aggregate classification.
Comment: This variant is expected to severely impact normal RNA splicing, and consequently, protein structure and/or function. The frequency of this variant in the general population is consistent with pathogenicity. In multiple individuals, this variant has been seen with a single recessive pathogenic variant in the same gene, suggesting this variant may also be pathogenic.

Mayo Clinic Laboratories, Mayo Clinic
Classification: Pathogenic. Last evaluated: 2025-02-26. Review status: criteria provided, single submitter. Criteria: ACMG Guidelines, 2015. Collection method: clinical testing. Allele origin: germline. Observed: 2 variant alleles. Not counted in ClinVar's aggregate classification.
Comment: PM2_supporting, PM3_very_strong, PS4_moderate, PVS1

Women's Health and Genetics/Laboratory Corporation of America, LabCorp
Classification: Pathogenic for Autosomal recessive limb-girdle muscular dystrophy type 2L. Last evaluated: 2024-12-11. Review status: criteria provided, single submitter. Criteria: LabCorp Variant Classification Summary - May 2015. Collection method: clinical testing. Allele origin: germline. Not counted in ClinVar's aggregate classification.
Comment: Variant summary: ANO5 c.1898+1G>A is located in a canonical splice-site and is predicted to affect mRNA splicing resulting in a significantly altered protein due to either exon skipping, shortening, or inclusion of intronic material. Variants that disrupt the consensus splice site are a relatively common cause of aberrant splicing and loss of ANO5 function. Several computational tools predict a significant impact on normal splicing: Two predict the variant abolishes a 5' splicing donor site. The variant allele was found at a frequency of 0.00013 in 250842 control chromosomes (gnomAD). This frequency is not significantly higher than estimated for a pathogenic variant in ANO5 causing autosomal recessive limb-girdle muscular dystrophy type 2L (0.00013 vs 0.0011), allowing no conclusion about variant significance. c.1898+1G>A has been reported in the literature in individuals (both homozygous and compound heterozygous) affected with autosomal recessive limb-girdle muscular dystrophy type 2L (example: van der Kooi_2013). These data indicate that the variant is likely to be associated with disease. To our knowledge, no experimental evidence demonstrating an impact on protein function has been reported. The following publications have been ascertained in the context of this evaluation (PMID: 23041008, 23607914). ClinVar contains an entry for this variant (Variation ID: 194805). Based on the evidence outlined above, the variant was classified as pathogenic.

Blueprint Genetics
Classification: Pathogenic for ANO5-related disorders. Last evaluated: 2024-04-02. Review status: criteria provided, single submitter. Criteria: ACMG Guidelines, 2015. Collection method: clinical testing. Allele origin: germline. Affected: yes. Observed: 5 variant alleles. Not counted in ClinVar's aggregate classification.

Revvity Omics, Revvity
Classification: Pathogenic. Last evaluated: 2023-09-25. Review status: criteria provided, single submitter. Criteria: ACMG Guidelines, 2015. Collection method: clinical testing. Allele origin: germline. Not counted in ClinVar's aggregate classification.

Department of Pathology and Laboratory Medicine, Sinai Health System
Classification: Pathogenic for Autosomal recessive limb-girdle muscular dystrophy type 2L; Miyoshi muscular dystrophy 3; Gnathodiaphyseal dysplasia. Last evaluated: 2023-02-10. Review status: criteria provided, single submitter. Criteria: ACMG Guidelines, 2015. Collection method: research. Allele origin: germline. Not counted in ClinVar's aggregate classification.

GeneDx
Classification: Pathogenic. Last evaluated: 2021-11-24. Review status: criteria provided, single submitter. Criteria: GeneDx Variant Classification Process June 2021. Collection method: clinical testing. Allele origin: germline. Affected: yes. Not counted in ClinVar's aggregate classification.
Comment: Canonical splice site variant in a gene for which loss-of-function is a known mechanism of disease; Published functional studies demonstrate this nucleotide change results in the out-of-frame exclusion of exons 15, 16, and 17 (Wahbi et al., 2013); This variant is associated with the following publications: (PMID: 23041008, 23663589, 23530687, 30919934, 23670307, 31127727, 23606453, 23607914, 32925086, 32528171, 33458579, 32819793, 31980526)

Knight Diagnostic Laboratories, Oregon Health and Sciences University
Classification: Pathogenic for Muscular dystrophy, limb-girdle, type 2l. Last evaluated: 2019-09-06. Review status: criteria provided, single submitter. Criteria: ACMG Guidelines, 2015. Collection method: clinical testing. Allele origin: germline. Observed: 1 variant allele. Not counted in ClinVar's aggregate classification.

NM_213599.3(ANO5):c.1898+1G>A

Gene: ANO5 (anoctamin 5; plus strand). Cytogenetic location: 11p14.3.
Variant type: single nucleotide variant.
Coding change: c.1898+1G>A on transcript NM_213599.3 (MANE Select); the canonical splice donor site of the intron after coding-DNA position 1898, G replaced by A.
Molecular consequence: splice donor variant.
Genome position (GRCh38, 1-based): chr11:22,263,044, G>A. VCF-style: chr11-22263044-G-A. GRCh37 (hg19) VCF-style: chr11-22284590-G-A.
Other names: c.1856+1G>A (NM_001410963.1); c.1895+1G>A (NM_001142649.2); c.1853+1G>A (NM_001410964.1).
Identifiers: ClinVar variation 194805 (VCV000194805.78), dbSNP rs142027093, ClinGen allele CA201366.